The following is an entry in ClinVar:

NM_018026.4(PACS1):c.2250+3G>A

Gene: PACS1 (phosphofurin acidic cluster sorting protein 1; plus strand). Cytogenetic location: 11q13.2.
Variant type: single nucleotide variant.
Coding change: c.2250+3G>A on transcript NM_018026.4 (MANE Select); 3 bases into the intron after coding-DNA position 2250, G replaced by A.
Molecular consequence: intron variant.
Genome position (GRCh38, 1-based): chr11:66,235,943, G>A. VCF-style: chr11-66235943-G-A. GRCh37 (hg19) VCF-style: chr11-66003414-G-A.
Identifiers: ClinVar variation 2837507 (VCV002837507.3), dbSNP rs2134743940, ClinGen allele CA2614453473.

ClinVar aggregate classification (germline): Uncertain significance (1 of 4 stars; one submission).

Conditions:
Schuurs-Hoeijmakers syndrome. Also called: PACS1-Related Neurodevelopmental Disorder. Identifiers: Orphanet 329224, MedGen C3554343, MONDO:0014006, OMIM 615009.

Allele frequency attached by ClinVar (database versions not stated): gnomAD exomes below 0.00001.

Submission:

Labcorp Genetics (formerly Invitae), Labcorp
Classification: Uncertain significance for Schuurs-Hoeijmakers syndrome. Last evaluated: 2023-02-14. Review status: criteria provided, single submitter. Criteria: Invitae Variant Classification Sherloc (09022015). Collection method: clinical testing. Allele origin: germline.
Comment: This sequence change falls in intron 19 of the PACS1 gene. It does not directly change the encoded amino acid sequence of the PACS1 protein. It affects a nucleotide within the consensus splice site. This variant is not present in population databases (gnomAD no frequency). This variant has not been reported in the literature in individuals affected with PACS1-related conditions. Variants that disrupt the consensus splice site are a relatively common cause of aberrant splicing (PMID: 17576681, 9536098). Algorithms developed to predict the effect of sequence changes on RNA splicing suggest that this variant is not likely to affect RNA splicing. In summary, the available evidence is currently insufficient to determine the role of this variant in disease. Therefore, it has been classified as a Variant of Uncertain Significance.

Literature cited by the submitters: PubMed 17576681; PubMed 9536098.